The following is an entry in ClinVar:

ClinVar aggregate classification (germline): Uncertain significance. Review status: criteria provided, multiple submitters, no conflicts (2 of 4 stars). 2 submissions from 2 submitters: Uncertain significance (2). Last evaluated 2025-12-17.

Submissions (2):

Labcorp Genetics (formerly Invitae), Labcorp
Classification: Uncertain significance. Last evaluated: 2025-12-17. Review status: criteria provided, single submitter. Criteria: Invitae Variant Classification Sherloc (09022015). Collection method: clinical testing. Allele origin: germline.
Comment: This variant, c.3482_3484dup, results in the insertion of 1 amino acid(s) of the TJP2 protein (p.Ala1161dup), but otherwise preserves the integrity of the reading frame. This variant is present in population databases (rs781333065, gnomAD 0.005%). This variant has not been reported in the literature in individuals affected with TJP2-related conditions. ClinVar contains an entry for this variant (Variation ID: 3616793). In summary, the available evidence is currently insufficient to determine the role of this variant in disease. Therefore, it has been classified as a Variant of Uncertain Significance.

Blueprint Genetics
Classification: Uncertain significance. Last evaluated: 2024-08-08. Review status: criteria provided, single submitter. Criteria: ACMG Guidelines, 2015. Collection method: clinical testing. Allele origin: germline.

NM_004817.4(TJP2):c.3482_3484dup (p.Ala1161_Glu1162insAla)

Gene: TJP2 (tight junction protein 2; plus strand). Cytogenetic location: 9q21.11.
Variant type: Duplication.
Coding change: c.3482_3484dup on transcript NM_004817.4 (MANE Select); coding-DNA positions 3482 to 3484, 3 bases duplicated (CCG; older notation c.3482_3484dupCCG).
Protein change: p.Ala1161_Glu1162insAla.
Molecular consequence: inframe insertion.
Genome position (GRCh38, 1-based): chr9:69,254,283-69,254,285, CCG duplicated; duplicating any 3 consecutive bases within chr9:69,254,282-69,254,285 gives the same sequence; the c. name uses the placement nearest the transcript's 3' end. VCF-style (leftmost placement, unchanged base first): chr9-69254281-T-TGCC. GRCh37 (hg19) VCF-style: chr9-71869197-T-TGCC.
Other names: c.2972_2974dup, p.Ala991_Glu992insAla (NM_001170414.2); c.3383_3385dup, p.Ala1128_Glu1129insAla (NM_001170415.1); c.3575_3577dup, p.Ala1192_Glu1193insAla (NM_001170416.2); c.3407_3409dup, p.Ala1136_Glu1137insAla (NM_001369870.1); c.3413_3415dup, p.Ala1138_Glu1139insAla (NM_001369871.1); c.3371_3373dup, p.Ala1124_Glu1125insAla (NM_001369872.1); c.3158_3160dup, p.Ala1053_Glu1054insAla (NM_001369873.1); c.3053_3055dup, p.Ala1018_Glu1019insAla (NM_001369874.1); and 2 more.
Identifiers: ClinVar variation 3616793 (VCV003616793.3).
Genomic context (GRCh38, chr9:69,254,281, plus strand): 5'-TGAGCCACAGAAAGCTCCTTCCAGACCTTATCAGGATACCAGAGGAAGTTATGGCAGTGA[T>TGCC]GCCGAGGAGGAGGAGTACCGCCAGCAGCTGTCAGAACACTCCAAGCGCGGTTACTATGGC-3'